The following is an entry in ClinVar:

NM_002335.4(LRP5):c.4399C>T (p.Arg1467Trp)

Gene: LRP5 (LDL receptor related protein 5; plus strand). Cytogenetic location: 11q13.2.
Variant type: single nucleotide variant.
Coding change: c.4399C>T on transcript NM_002335.4 (MANE Select); coding-DNA position 4399, C replaced by T.
Protein change: p.Arg1467Trp; replaces arginine 1467 with tryptophan.
Molecular consequence: missense variant.
Genome position (GRCh38, 1-based): chr11:68,439,827, C>T. VCF-style: chr11-68439827-C-T. GRCh37 (hg19) VCF-style: chr11-68207295-C-T.
Other names: c.4399C>T (NM_002335.2); c.2656C>T, p.Arg886Trp (NM_001291902.2); short protein forms R1467W, R886W.
Identifiers: ClinVar variation 1908278 (VCV001908278.6), dbSNP rs368049854, ClinGen allele CA6150346.

ClinVar aggregate classification (germline): Uncertain significance. Review status: criteria provided, multiple submitters, no conflicts (2 of 4 stars). 2 submissions from 2 submitters: Uncertain significance (2). Last evaluated 2025-06-22.

Conditions:
Inborn genetic diseases. Identifiers: MedGen C0950123, MeSH D030342.

Allele frequency attached by ClinVar (database versions not stated): TOPMed below 0.00001; gnomAD 0.00001; ExAC 0.00002; ESP Exome Variant Server 0.00008.
gnomAD v4.1: 32 of 1,610,246 alleles (0.002%); highest among the groups gnomAD compares: Non-Finnish European, 0.0023%; no homozygotes.

Submissions (2):

Labcorp Genetics (formerly Invitae), Labcorp
Classification: Uncertain significance. Last evaluated: 2025-06-22. Review status: criteria provided, single submitter. Criteria: Invitae Variant Classification Sherloc (09022015). Collection method: clinical testing. Allele origin: germline.
Comment: This sequence change replaces arginine, which is basic and polar, with tryptophan, which is neutral and slightly polar, at codon 1467 of the LRP5 protein (p.Arg1467Trp). This variant is present in population databases (rs368049854, gnomAD 0.006%). This variant has not been reported in the literature in individuals affected with LRP5-related conditions. ClinVar contains an entry for this variant (Variation ID: 1908278). Invitae Evidence Modeling of protein sequence and biophysical properties (such as structural, functional, and spatial information, amino acid conservation, physicochemical variation, residue mobility, and thermodynamic stability) indicates that this missense variant is not expected to disrupt LRP5 protein function with a negative predictive value of 95%. In summary, the available evidence is currently insufficient to determine the role of this variant in disease. Therefore, it has been classified as a Variant of Uncertain Significance.

Ambry Genetics
Classification: Uncertain significance for Inborn genetic diseases. Last evaluated: 2023-12-19. Review status: criteria provided, single submitter. Criteria: Ambry Variant Classification Scheme 2023. Collection method: clinical testing. Allele origin: germline.